The following is an entry in ClinVar:

NM_005732.4(RAD50):c.3586G>A (p.Asp1196Asn)

Genes: TH2-LCR (Th2 cytokine locus control region; plus strand), TH2LCRR (T helper type 2 locus control region associated RNA; minus strand), RAD50 (RAD50 double strand break repair protein; plus strand). Cytogenetic location: 5q31.1.
Variant type: single nucleotide variant.
Coding change: c.3586G>A on transcript NM_005732.4 (MANE Select); coding-DNA position 3586, G replaced by A.
Protein change: p.Asp1196Asn; replaces aspartic acid 1196 with asparagine.
Molecular consequence: missense variant. On other transcripts: non-coding transcript variant (3).
Genome position (GRCh38, 1-based): chr5:132,638,191, G>A. VCF-style: chr5-132638191-G-A. GRCh37 (hg19) VCF-style: chr5-131973883-G-A.
Other names: short protein forms D1196N.
Identifiers: ClinVar variation 1732947 (VCV001732947.3), dbSNP rs2479428043, ClinGen allele CA360932205.

ClinVar aggregate classification (germline): Uncertain significance (1 of 4 stars; one submission).

Conditions:
Hereditary cancer-predisposing syndrome. Also called: Neoplastic Syndromes, Hereditary; Tumor predisposition; Hereditary Cancer Syndrome; Hereditary neoplastic syndrome. Identifiers: Orphanet 140162, MedGen C0027672, MeSH D009386, MONDO:0015356.

Submission:

Ambry Genetics
Classification: Uncertain significance for Hereditary cancer-predisposing syndrome. Last evaluated: 2025-08-02. Review status: criteria provided, single submitter. Criteria: Ambry Variant Classification Scheme 2023. Collection method: clinical testing. Allele origin: germline.
Comment: The p.D1196N variant (also known as c.3586G>A), located in coding exon 23 of the RAD50 gene, results from a G to A substitution at nucleotide position 3586. The aspartic acid at codon 1196 is replaced by asparagine, an amino acid with highly similar properties. This amino acid position is highly conserved in available vertebrate species. In addition, this alteration is predicted to be tolerated by in silico analysis. Since supporting evidence is limited at this time, the clinical significance of this alteration remains unclear.